The following is an entry in ClinVar:

NM_170699.3(GPBAR1):c.396G>A (p.Trp132Ter)

Gene: GPBAR1 (G protein-coupled bile acid receptor 1; plus strand). Cytogenetic location: 2q35.
Variant type: single nucleotide variant.
Coding change: c.396G>A on transcript NM_170699.3 (MANE Select); coding-DNA position 396, G replaced by A.
Protein change: p.Trp132Ter; replaces tryptophan 132 with a stop codon.
Molecular consequence: nonsense.
Genome position (GRCh38, 1-based): chr2:218,263,120, G>A. VCF-style: chr2-218263120-G-A. GRCh37 (hg19) VCF-style: chr2-219127843-G-A.
Other names: c.396G>A, p.Trp132Ter (NM_001077191.2, NM_001077194.2, NM_001321950.2); short protein forms W132*.
Identifiers: ClinVar variation 3054906 (VCV003054906.2), dbSNP rs554480858, ClinGen allele CA2102579.
Genomic context (GRCh38, chr2:218,263,120, plus strand): 5'-GGCAGTCCTGAGGCCACTCCAGCCCCCTGGGAGCATTCGGCTGGCCCTGCTCCTCACCTG[G>A]GCTGGTCCCCTGCTCTTTGCCAGTCTGCCCGCTCTGGGGTGGAACCACTGGACCCCTGGT-3'

ClinVar aggregate classification (germline): Uncertain significance (0 of 4 stars; one submission).

Conditions:
GPBAR1-related disorder. Also called: GPBAR1-related condition.

Allele frequency attached by ClinVar (database versions not stated): gnomAD 0.00007; gnomAD exomes 0.00008; ExAC 0.00027; 1000 Genomes Project 30x 0.00031; 1000 Genomes Project 0.00040.
gnomAD v4.1: 128 of 1,612,620 alleles (0.0079%); highest among the groups gnomAD compares: East Asian, 0.28%; no homozygotes.

Submission:

PreventionGenetics, part of Exact Sciences
Classification: Uncertain significance for GPBAR1-related condition. Last evaluated: 2024-07-15. Review status: no assertion criteria provided. Collection method: clinical testing. Allele origin: germline.
Comment: The GPBAR1 c.396G>A variant is predicted to result in premature protein termination (p.Trp132*). To our knowledge, this variant has not been reported in the literature. This variant is reported in 0.32% of alleles in individuals of East Asian descent in gnomAD. At this time, the clinical significance of this variant is uncertain due to the absence of conclusive functional and genetic evidence.